The following is an entry in ClinVar:

ClinVar aggregate classification (germline): Uncertain significance (1 of 4 stars; one submission).

Conditions:
Inborn genetic diseases. Identifiers: MedGen C0950123, MeSH D030342.

Allele frequency attached by ClinVar (database versions not stated): TOPMed 0.00001.
gnomAD v4.1: 1 of 1,614,098 alleles (0.000062%); no homozygotes.

Submission:

Ambry Genetics
Classification: Uncertain significance for Inborn genetic diseases. Last evaluated: 2021-10-14. Review status: criteria provided, single submitter. Criteria: Ambry Variant Classification Scheme 2023. Collection method: clinical testing. Allele origin: germline.
Comment: The p.W696R variant (also known as c.2086T>C), located in coding exon 22 of the ERCC2 gene, results from a T to C substitution at nucleotide position 2086. The tryptophan at codon 696 is replaced by arginine, an amino acid with dissimilar properties. This amino acid position is conserved. In addition, this alteration is predicted to be deleterious by in silico analysis. Since supporting evidence is limited at this time, the clinical significance of this alteration remains unclear.

NM_000400.4(ERCC2):c.2086T>C (p.Trp696Arg)

Gene: ERCC2 (ERCC excision repair 2, TFIIH core complex helicase subunit; minus strand). Cytogenetic location: 19q13.32.
Variant type: single nucleotide variant.
Coding change: c.2086T>C on transcript NM_000400.4 (MANE Select); coding-DNA position 2086, T replaced by C.
Protein change: p.Trp696Arg; replaces tryptophan 696 with arginine.
Molecular consequence: missense variant.
Genome position (GRCh38, 1-based): chr19:45,352,313, A>G on the plus strand (T>C on the coding strand, the complement: ERCC2 is on the minus strand). VCF-style: chr19-45352313-A-G. GRCh37 (hg19) VCF-style: chr19-45855571-A-G.
Other names: short protein forms W696R.
Identifiers: ClinVar variation 1785645 (VCV001785645.2), dbSNP rs1971832952, ClinGen allele CA406362365.